The following is an entry in ClinVar:

ClinVar aggregate classification (germline): Benign (1 of 4 stars; one submission).

Submission:

Laboratory for Molecular Medicine, Mass General Brigham Personalized Medicine
Classification: Benign. Last evaluated: 2016-08-16. Review status: criteria provided, single submitter. Criteria: LMM Criteria. Collection method: clinical testing. Allele origin: germline. Observed: 3 variant alleles.
Comment: m.1284T>C in MTRNR1: This variant is not expected to have clinical significance because it has been identified at high frequency in several haplogroups, includi ng 4.9% (12/310) of the H5a European haplogroup. In a ddition, this variant has been identified in two asymptomatic mothers of individ uals with suspected mitochondrial disease (Tang 2013).

Literature cited by the submitters: PubMed 23463613.

NC_012920.1(MT-RNR1):m.1284T>C

Gene: MT-RNR1 (mitochondrially encoded 12S RNA; plus strand).
Variant type: single nucleotide variant.
Genome position: chrM-1284-T-C.
Identifiers: ClinVar variation 505294 (VCV000505294.4), dbSNP rs1556422516, ClinGen allele CA658799933.